The following is an entry in ClinVar:

ClinVar aggregate classification (germline): Uncertain significance (1 of 4 stars; one submission).

Allele frequency attached by ClinVar (database versions not stated): gnomAD exomes below 0.00001.

Submission:

Labcorp Genetics (formerly Invitae), Labcorp
Classification: Uncertain significance. Last evaluated: 2021-09-15. Review status: criteria provided, single submitter. Criteria: Invitae Variant Classification Sherloc (09022015). Collection method: clinical testing. Allele origin: germline.
Comment: In summary, the available evidence is currently insufficient to determine the role of this variant in disease. Therefore, it has been classified as a Variant of Uncertain Significance. Algorithms developed to predict the effect of missense changes on protein structure and function are either unavailable or do not agree on the potential impact of this missense change (SIFT: "Deleterious"; PolyPhen-2: "Not Available"; Align-GVGD: "Class C0"). This variant has not been reported in the literature in individuals affected with SRP54-related conditions. This variant is not present in population databases (ExAC no frequency). This sequence change replaces glycine with arginine at codon 500 of the SRP54 protein (p.Gly500Arg). The glycine residue is highly conserved and there is a moderate physicochemical difference between glycine and arginine.

NM_003136.4(SRP54):c.1498G>A (p.Gly500Arg)

Gene: SRP54 (signal recognition particle 54; plus strand). Cytogenetic location: 14q13.2.
Variant type: single nucleotide variant.
Coding change: c.1498G>A on transcript NM_003136.4 (MANE Select); coding-DNA position 1498, G replaced by A.
Protein change: p.Gly500Arg; replaces glycine 500 with arginine.
Molecular consequence: missense variant.
Genome position (GRCh38, 1-based): chr14:35,029,135, G>A. VCF-style: chr14-35029135-G-A. GRCh37 (hg19) VCF-style: chr14-35498341-G-A.
Other names: c.1351G>A, p.Gly451Arg (NM_001146282.2); short protein forms G451R, G500R.
Identifiers: ClinVar variation 1513856 (VCV001513856.6), dbSNP rs2139035690, ClinGen allele CA389449647.